The following is an entry in ClinVar:

ClinVar aggregate classification (germline): Likely benign. Review status: reviewed by expert panel (3 of 4 stars). 4 submissions from 4 submitters: Likely benign (1). 3 of the submissions do not count toward it. Last evaluated 2025-09-05.

Conditions:
RPGR-related retinopathy. Also called: RPGR retinopathy. Identifiers: MedGen CN305589, MONDO:0100437.
Primary ciliary dyskinesia. Also called: Ciliary dyskinesia. Identifiers: Orphanet 244, MedGen C0008780, MONDO:0016575, HP:0012265.

Allele frequency attached by ClinVar (database versions not stated): ExAC 0.00165.

Submissions (4):

ClinGen X-linked Inherited Retinal Disease Variant Curation Expert Panel, ClinGen
Classification: Likely benign for RPGR-related retinopathy. Last evaluated: 2025-09-05. Review status: reviewed by expert panel. Criteria: ClinGen X LinkedIRD ACMG Specifications RPGR V1.0.0. Collection method: curation. Allele origin: germline. Inheritance: X-linked inheritance.
Comment: NM_001034853.2(RPGR):c.2589A>G (p.Glu863=) is a synonymous variant in exon 15 of 15 at codon 863 with no predicted impact on splicing (BP7). The splicing impact predictor SpliceAI gives a delta score of 0, which is below the ClinGen X-linked IRD VCEP recommended threshold of <0.1 and does not strongly predict an impact on splicing (BP4). This variant is absent among hemizygous individuals in gnomAD v4.1.0 but is present in 52 heterozygotes and has been flagged as a low quality site, so no population code is met. In summary, this variant is classified as likely benign for RPGR-related retinopathy based on the ClinGen X-linked Inherited Retinal Disease Expert Panel Specifications to the ACMG/AMP Variant Interpretation Guidelines for RPGR Version 1.0.0; BP4 and BP7.

CeGaT Center for Human Genetics Tuebingen
Classification: Likely benign. Last evaluated: 2026-09-01. Review status: criteria provided, single submitter. Criteria: CeGaT Center For Human Genetics Tuebingen Variant Classification Criteria Version 2. Collection method: clinical testing. Allele origin: germline. Affected: yes. Observed: 4 variant alleles. Not counted in ClinVar's aggregate classification.
Comment: RPGR: BP4, BP7

Blueprint Genetics
Classification: Likely benign. Last evaluated: 2024-05-31. Review status: criteria provided, single submitter. Criteria: ACMG Guidelines, 2015. Collection method: clinical testing. Allele origin: germline. Not counted in ClinVar's aggregate classification.

Labcorp Genetics (formerly Invitae), Labcorp
Classification: Likely benign for Primary ciliary dyskinesia. Last evaluated: 2023-09-17. Review status: criteria provided, single submitter. Criteria: Invitae Variant Classification Sherloc (09022015). Collection method: clinical testing. Allele origin: germline. Not counted in ClinVar's aggregate classification.

NM_001034853.2(RPGR):c.2589A>G (p.Glu863=)

Gene: RPGR (retinitis pigmentosa GTPase regulator; minus strand). Cytogenetic location: Xp11.4.
Variant type: single nucleotide variant.
Coding change: c.2589A>G on transcript NM_001034853.2 (MANE Select); coding-DNA position 2589, A replaced by G.
Protein change: p.Glu863=; no amino-acid change (glutamic acid 863 retained).
Molecular consequence: synonymous variant. On other transcripts: intron variant (8).
Genome position (GRCh38, 1-based): chrX:38,286,410, T>C on the plus strand (A>G on the coding strand, the complement: RPGR is on the minus strand). VCF-style: chrX-38286410-T-C. GRCh37 (hg19) VCF-style: chrX-38145663-T-C.
Other names: NM_001034853.2(RPGR):c.2589A>G; p.Glu863=; c.1569+4549A>G (NM_001367249.1, NM_001367250.1); c.1902+684A>G (NM_001367245.1); c.1386+4549A>G (NM_001367251.1); c.1719+684A>G (NM_001367246.1); c.1572+4549A>G (NM_001367247.1); c.1905+684A>G (NM_000328.3); and 1 more.
Identifiers: ClinVar variation 2660295 (VCV002660295.29), dbSNP rs777091269, ClinGen allele CA10385264.
Genomic context (GRCh38, chrX:38,286,410, plus strand): 5'-TCCTTCCTCCTCTTCCCCCTCCCCTTCTCCTTCCTCCCCTTCTTCCTCCCCTTCTCCTTC[T>C]TCCCCTTCTTCCTCCCCTTTCCCTTCTCCTTCCTCCTCTTCCCCCTCCCCTTCCTCCTCT-3'
Protein context (NP_001030025.1, residues 853-873): EGEGKGEEEG[Glu863=]EGEGEEEGEE